The following is an entry in ClinVar:

NM_152383.5(DIS3L2):c.455A>G (p.Gln152Arg)

Gene: DIS3L2 (DIS3 like 3'-5' exoribonuclease 2; plus strand). Cytogenetic location: 2q37.1.
Variant type: single nucleotide variant.
Coding change: c.455A>G on transcript NM_152383.5 (MANE Select); coding-DNA position 455, A replaced by G.
Protein change: p.Gln152Arg; replaces glutamine 152 with arginine.
Molecular consequence: missense variant. On other transcripts: non-coding transcript variant (2).
Genome position (GRCh38, 1-based): chr2:232,087,575, A>G. VCF-style: chr2-232087575-A-G. GRCh37 (hg19) VCF-style: chr2-232952285-A-G.
Other names: c.455A>G, p.Gln152Arg (NM_001257281.2, NM_001257282.2); short protein forms Q152R.
Identifiers: ClinVar variation 2045233 (VCV002045233.4), dbSNP rs2469749712, ClinGen allele CA351155008.

ClinVar aggregate classification (germline): Uncertain significance (1 of 4 stars; one submission).

Conditions:
Perlman syndrome (PRLMNS). Identifiers: Orphanet 2849, MedGen C0796113, MONDO:0009965, OMIM 267000.

Submission:

Labcorp Genetics (formerly Invitae), Labcorp
Classification: Uncertain significance for Perlman syndrome. Last evaluated: 2021-12-17. Review status: criteria provided, single submitter. Criteria: Invitae Variant Classification Sherloc (09022015). Collection method: clinical testing. Allele origin: germline.
Comment: In summary, the available evidence is currently insufficient to determine the role of this variant in disease. Therefore, it has been classified as a Variant of Uncertain Significance. Algorithms developed to predict the effect of missense changes on protein structure and function (SIFT, PolyPhen-2, Align-GVGD) all suggest that this variant is likely to be tolerated. This variant has not been reported in the literature in individuals affected with DIS3L2-related conditions. This variant is not present in population databases (gnomAD no frequency). This sequence change replaces glutamine, which is neutral and polar, with arginine, which is basic and polar, at codon 152 of the DIS3L2 protein (p.Gln152Arg).